The following is an entry in ClinVar:

NM_001174089.2(SLC4A11):c.1537A>T (p.Lys513Ter)

Gene: SLC4A11 (solute carrier family 4 member 11; minus strand). Cytogenetic location: 20p13.
Variant type: single nucleotide variant.
Coding change: c.1537A>T on transcript NM_001174089.2 (MANE Select); coding-DNA position 1537, A replaced by T.
Protein change: p.Lys513Ter; replaces lysine 513 with a stop codon.
Molecular consequence: nonsense. On other transcripts: non-coding transcript variant (2).
Genome position (GRCh38, 1-based): chr20:3,229,729, T>A on the plus strand (A>T on the coding strand, the complement: SLC4A11 is on the minus strand). VCF-style: chr20-3229729-T-A. GRCh37 (hg19) VCF-style: chr20-3210375-T-A.
Other names: c.1666A>T, p.Lys556Ter (NM_001174090.2); c.1423A>T, p.Lys475Ter (NM_001363745.2); c.1480A>T, p.Lys494Ter (NM_001400277.1, NM_001400278.1, NM_001400279.1); c.1552A>T, p.Lys518Ter (NM_001400280.1); c.1585A>T, p.Lys529Ter (NM_032034.4); short protein forms K475*, K529*, K494*, K513*, K518*, K556*.
Identifiers: ClinVar variation 2083648 (VCV002083648.4), dbSNP rs2067688143, ClinGen allele CA408088232.
Genomic context (GRCh38, chr20:3,229,729, plus strand): 5'-GGAGGCTGGCGTTGAGGCTGGCGCCGAGGCCTGACAGGCTGACAAGGGATGAAGTCCTTT[T>A]TGTGTGATAGTCGTCCAAGTAATGCCCATAGTAGTACTTCCAGAAGACTGTGGACACACA-3'

ClinVar aggregate classification (germline): Pathogenic (1 of 4 stars; one submission).

Submission:

Labcorp Genetics (formerly Invitae), Labcorp
Classification: Pathogenic. Last evaluated: 2022-06-02. Review status: criteria provided, single submitter. Criteria: Invitae Variant Classification Sherloc (09022015). Collection method: clinical testing. Allele origin: germline.
Comment: For these reasons, this variant has been classified as Pathogenic. This variant has not been reported in the literature in individuals affected with SLC4A11-related conditions. This variant is not present in population databases (gnomAD no frequency). This sequence change creates a premature translational stop signal (p.Lys529*) in the SLC4A11 gene. It is expected to result in an absent or disrupted protein product. Loss-of-function variants in SLC4A11 are known to be pathogenic (PMID: 17220209, 17679935).

Literature cited by the submitters: PubMed 17220209; PubMed 17679935.